The following is an entry in ClinVar:

ClinVar aggregate classification (germline): Uncertain significance (1 of 4 stars; one submission).

Submission:

Dasa
Classification: Uncertain significance. Last evaluated: 2025-07-23. Review status: criteria provided, single submitter. Criteria: DASA Assertion Criteria. Collection method: clinical testing. Allele origin: germline.
Comment: NM_144969.3(ZDHHC15):c.380-1G>T affects a canonical splice site and is predicted to disrupt normal RNA splicing. This variant is rare in population databases. The currently available literature and clinical evidence are not sufficient to establish a definitive association between this variant and the reported condition. Therefore, this variant is classified as a variant of uncertain significance.

NM_144969.3(ZDHHC15):c.380-1G>T

Gene: ZDHHC15 (zDHHC palmitoyltransferase 15; minus strand). Cytogenetic location: Xq13.3.
Variant type: single nucleotide variant.
Coding change: c.380-1G>T on transcript NM_144969.3 (MANE Select); the canonical splice acceptor site of the intron before coding-DNA position 380, G replaced by T.
Molecular consequence: splice acceptor variant.
Genome position (GRCh38, 1-based): chrX:75,431,521, C>A on the plus strand (G>T on the coding strand, the complement: ZDHHC15 is on the minus strand). VCF-style: chrX-75431521-C-A. GRCh37 (hg19) VCF-style: chrX-74651356-C-A.
Other names: c.353-1G>T (NM_001146256.2).
Identifiers: ClinVar variation 4882410 (VCV004882410.2).